The following is an entry in ClinVar:

ClinVar aggregate classification (germline): Uncertain significance (1 of 4 stars; one submission).

Conditions:
Immunodeficiency, common variable, 2 (CVID2). Also called: HYPOGAMMAGLOBULINEMIA DUE TO TACI DEFICIENCY; ANTIBODY DEFICIENCY DUE TO TACI DEFECT. Identifiers: Orphanet 1572, MedGen C3150354, MONDO:0009413, OMIM 240500.

Submission:

Labcorp Genetics (formerly Invitae), Labcorp
Classification: Uncertain significance for Immunodeficiency, common variable, 2. Last evaluated: 2022-11-28. Review status: criteria provided, single submitter. Criteria: Invitae Variant Classification Sherloc (09022015). Collection method: clinical testing. Allele origin: germline.
Comment: This sequence change replaces arginine, which is basic and polar, with threonine, which is neutral and polar, at codon 142 of the TNFRSF13B protein (p.Arg142Thr). This variant is not present in population databases (gnomAD no frequency). This variant has not been reported in the literature in individuals affected with TNFRSF13B-related conditions. Advanced modeling of protein sequence and biophysical properties (such as structural, functional, and spatial information, amino acid conservation, physicochemical variation, residue mobility, and thermodynamic stability) performed at Invitae indicates that this missense variant is not expected to disrupt TNFRSF13B protein function. In summary, the available evidence is currently insufficient to determine the role of this variant in disease. Therefore, it has been classified as a Variant of Uncertain Significance.

NM_012452.3(TNFRSF13B):c.425G>C (p.Arg142Thr)

Gene: TNFRSF13B (TNF receptor superfamily member 13B; minus strand). Cytogenetic location: 17p11.2.
Variant type: single nucleotide variant.
Coding change: c.425G>C on transcript NM_012452.3 (MANE Select); coding-DNA position 425, G replaced by C.
Protein change: p.Arg142Thr; replaces arginine 142 with threonine.
Molecular consequence: missense variant.
Genome position (GRCh38, 1-based): chr17:16,948,758, C>G on the plus strand (G>C on the coding strand, the complement: TNFRSF13B is on the minus strand). VCF-style: chr17-16948758-C-G. GRCh37 (hg19) VCF-style: chr17-16852072-C-G.
Other names: short protein forms R142T.
Identifiers: ClinVar variation 2115609 (VCV002115609.4), dbSNP rs2508205957, ClinGen allele CA398519772.